The following is an entry in ClinVar:

NM_006386.5(DDX17):c.1532G>A (p.Arg511His)

Gene: DDX17 (DEAD-box helicase 17; minus strand). Cytogenetic location: 22q13.1.
Variant type: single nucleotide variant.
Coding change: c.1532G>A on transcript NM_006386.5 (MANE Select); coding-DNA position 1532, G replaced by A.
Protein change: p.Arg511His; replaces arginine 511 with histidine.
Molecular consequence: missense variant.
Genome position (GRCh38, 1-based): chr22:38,488,031, C>T on the plus strand (G>A on the coding strand, the complement: DDX17 is on the minus strand). VCF-style: chr22-38488031-C-T. GRCh37 (hg19) VCF-style: chr22-38884036-C-T.
Other names: c.1532G>A, p.Arg511His (NM_001098504.2); short protein forms R511H.
Identifiers: ClinVar variation 3767444 (VCV003767444.2).
Genomic context (GRCh38, chr22:38,488,031, plus strand): 5'-CTGGCCTGTTTTAGGTTCCCTGGGGTGAAGAAGGTATAGGCGGTACCCTTGTTGGTGCTA[C>T]GGGCTGTTCGGCCAATACGGTGCACATAATCCTCTGAGCTGTTTGGATAGTCATAGTTGA-3'
Protein context (NP_006377.2, residues 501-521): DYVHRIGRTA[Arg511His]STNKGTAYTF

ClinVar aggregate classification (germline): Likely pathogenic (1 of 4 stars; one submission).

Submission:

GeneDx
Classification: Likely pathogenic. Last evaluated: 2026-09-21. Review status: criteria provided, single submitter. Criteria: GeneDx Variant Classification Process June 2021. Collection method: clinical testing. Allele origin: germline.
Comment: Not observed at significant frequency in large population cohorts (gnomAD); In silico analysis supports that this missense variant has a deleterious effect on protein structure/function; Has not been previously published as pathogenic or benign to our knowledge